The following is an entry in ClinVar:

ClinVar aggregate classification (germline): Likely benign. Review status: criteria provided, multiple submitters, no conflicts (2 of 4 stars). 3 submissions from 3 submitters: Likely benign (3). Last evaluated 2025-03-04.

Allele frequency attached by ClinVar (database versions not stated): gnomAD 0.00005 and 0.00006; TOPMed 0.00011; ExAC 0.00015; gnomAD exomes 0.00015.
gnomAD v4.1: 195 of 1,455,640 alleles (0.013%); highest among the groups gnomAD compares: Non-Finnish European, 0.015%; no homozygotes.

Submissions (3):

Labcorp Genetics (formerly Invitae), Labcorp
Classification: Likely benign. Last evaluated: 2025-03-04. Review status: criteria provided, single submitter. Criteria: Invitae Variant Classification Sherloc (09022015). Collection method: clinical testing. Allele origin: germline.

CeGaT Center for Human Genetics Tuebingen
Classification: Likely benign. Last evaluated: 2024-11-01. Review status: criteria provided, single submitter. Criteria: CeGaT Center For Human Genetics Tuebingen Variant Classification Criteria Version 2. Collection method: clinical testing. Allele origin: germline. Affected: yes. Observed: 1 variant allele.
Comment: CAMK2B: BP4, BP7

Blueprint Genetics
Classification: Likely benign. Last evaluated: 2023-12-04. Review status: criteria provided, single submitter. Criteria: ACMG Guidelines, 2015. Collection method: clinical testing. Allele origin: germline.

NM_001220.5(CAMK2B):c.1554G>A (p.Pro518=)

Gene: CAMK2B (calcium/calmodulin dependent protein kinase II beta; minus strand). Cytogenetic location: 7p13.
Variant type: single nucleotide variant.
Coding change: c.1554G>A on transcript NM_001220.5 (MANE Select); coding-DNA position 1554, G replaced by A.
Protein change: p.Pro518=; no amino-acid change (proline 518 retained).
Molecular consequence: synonymous variant. On other transcripts: intron variant (8).
Genome position (GRCh38, 1-based): chr7:44,226,559, C>T on the plus strand (G>A on the coding strand, the complement: CAMK2B is on the minus strand). VCF-style: chr7-44226559-C-T. GRCh37 (hg19) VCF-style: chr7-44266158-C-T.
Other names: c.947-5658G>A (NM_172084.3); c.1150+4447G>A (NM_172080.3); c.1036+4447G>A (NM_172083.3); c.1108+4447G>A (NM_172081.3); c.1153+4447G>A (NM_172079.3, NM_172082.3); c.1225+4447G>A (NM_001293170.2, NM_172078.3).
Identifiers: ClinVar variation 1638304 (VCV001638304.23), dbSNP rs761933277, ClinGen allele CA4240238.